The following is an entry in ClinVar:

NM_005883.3(APC2):c.1563C>T (p.Asp521=)

Gene: APC2 (APC regulator of Wnt signaling pathway 2; plus strand). Cytogenetic location: 19p13.3.
Variant type: single nucleotide variant.
Coding change: c.1563C>T on transcript NM_005883.3 (MANE Select); coding-DNA position 1563, C replaced by T.
Protein change: p.Asp521=; no amino-acid change (aspartic acid 521 retained).
Molecular consequence: synonymous variant.
Genome position (GRCh38, 1-based): chr19:1,461,078, C>T. VCF-style: chr19-1461078-C-T. GRCh37 (hg19) VCF-style: chr19-1461077-C-T.
Other names: c.1560C>T, p.Asp520= (NM_001351273.1).
Identifiers: ClinVar variation 798288 (VCV000798288.10), dbSNP rs373064034, ClinGen allele CA9045162.

ClinVar aggregate classification (germline): Likely benign. Review status: criteria provided, single submitter (1 of 4 stars). 2 submissions from 2 submitters: Likely benign (1). 1 of the submissions does not count toward it. Last evaluated 2024-10-30.

Conditions:
APC2-related disorder. Also called: APC2-related condition; APC2-Related Disorders.

Allele frequency attached by ClinVar (database versions not stated): TOPMed 0.00017; gnomAD exomes 0.00018 and 0.00025; gnomAD 0.00020 and 0.00021; ExAC 0.00023; ESP Exome Variant Server 0.00031.
gnomAD v4.1: 395 of 1,613,726 alleles (0.024%); highest among the groups gnomAD compares: Non-Finnish European, 0.032%; no homozygotes.

Submissions (2):

Labcorp Genetics (formerly Invitae), Labcorp
Classification: Likely benign. Last evaluated: 2024-10-30. Review status: criteria provided, single submitter. Criteria: Invitae Variant Classification Sherloc (09022015). Collection method: clinical testing. Allele origin: germline.

PreventionGenetics, part of Exact Sciences
Classification: Likely benign for APC2-related condition. Last evaluated: 2019-04-10. Review status: no assertion criteria provided. Collection method: clinical testing. Allele origin: germline. Not counted in ClinVar's aggregate classification.
Comment: This variant is classified as likely benign based on ACMG/AMP sequence variant interpretation guidelines (Richards et al. 2015 PMID: 25741868, with internal and published modifications).